The following is an entry in ClinVar:

ClinVar aggregate classification (germline): Uncertain significance (1 of 4 stars; one submission).

Submission:

Labcorp Genetics (formerly Invitae), Labcorp
Classification: Uncertain significance. Last evaluated: 2024-11-19. Review status: criteria provided, single submitter. Criteria: Invitae Variant Classification Sherloc (09022015). Collection method: clinical testing. Allele origin: germline.
Comment: This sequence change replaces glycine, which is neutral and non-polar, with arginine, which is basic and polar, at codon 83 of the SLC10A2 protein (p.Gly83Arg). This variant is present in population databases (no rsID available, gnomAD 0.003%). This variant has not been reported in the literature in individuals affected with SLC10A2-related conditions. Invitae Evidence Modeling of protein sequence and biophysical properties (such as structural, functional, and spatial information, amino acid conservation, physicochemical variation, residue mobility, and thermodynamic stability) indicates that this missense variant is expected to disrupt SLC10A2 protein function with a positive predictive value of 80%. In summary, the available evidence is currently insufficient to determine the role of this variant in disease. Therefore, it has been classified as a Variant of Uncertain Significance.

NM_000452.3(SLC10A2):c.247G>A (p.Gly83Arg)

Gene: SLC10A2 (solute carrier family 10 member 2; minus strand). Cytogenetic location: 13q33.1.
Variant type: single nucleotide variant.
Coding change: c.247G>A on transcript NM_000452.3 (MANE Select); coding-DNA position 247, G replaced by A.
Protein change: p.Gly83Arg; replaces glycine 83 with arginine.
Molecular consequence: missense variant.
Genome position (GRCh38, 1-based): chr13:103,066,003, C>T on the plus strand (G>A on the coding strand, the complement: SLC10A2 is on the minus strand). VCF-style: chr13-103066003-C-T. GRCh37 (hg19) VCF-style: chr13-103718353-C-T.
Other names: short protein forms G83R.
Identifiers: ClinVar variation 3692702 (VCV003692702.2).